The following is an entry in ClinVar:

NM_006343.3(MERTK):c.584-1_584dup

Gene: MERTK (MER proto-oncogene, tyrosine kinase; plus strand). Cytogenetic location: 2q13.
Variant type: Duplication.
Coding change: c.584-1_584dup on transcript NM_006343.3 (MANE Select); the canonical splice acceptor site of the intron before coding-DNA position 584 through coding-DNA position 584, 2 bases duplicated (GG; older notation c.584-1_584dupGG).
Molecular consequence: splice acceptor variant.
Genome position (GRCh38, 1-based): chr2:111,947,393-111,947,394, GG duplicated. VCF-style (leftmost placement, unchanged base first): chr2-111947392-A-AGG. GRCh37 (hg19) VCF-style: chr2-112704969-A-AGG.
Identifiers: ClinVar variation 1992796 (VCV001992796.4), dbSNP rs2466781016, ClinGen allele CA2580063750.
Genomic context (GRCh38, chr2:111,947,392, plus strand): 5'-CTTTGGGCTCTGTCTCTGTTTTCAGATCTGAAACATTCTTTTGTGTAACGTTTTCTCCGC[A>AGG]GGACTTCCTCACTTTACTAAGCAGCCTGAGAGCATGAATGTCACCAGAAACACAGCCTTC-3'

ClinVar aggregate classification (germline): Pathogenic (1 of 4 stars; one submission).

Submission:

Labcorp Genetics (formerly Invitae), Labcorp
Classification: Pathogenic. Last evaluated: 2022-05-10. Review status: criteria provided, single submitter. Criteria: Invitae Variant Classification Sherloc (09022015). Collection method: clinical testing. Allele origin: germline.
Comment: This variant is not present in population databases (gnomAD no frequency). This variant has not been reported in the literature in individuals affected with MERTK-related conditions. This variant is also known as c.584_585insGG. Algorithms developed to predict the effect of sequence changes on RNA splicing suggest that this variant may disrupt the consensus splice site. For these reasons, this variant has been classified as Pathogenic. This sequence change creates a premature translational stop signal (p.Leu196Aspfs*12) in the MERTK gene. It is expected to result in an absent or disrupted protein product. Loss-of-function variants in MERTK are known to be pathogenic (PMID: 24265693, 29659094).

Literature cited by the submitters: PubMed 24265693; PubMed 29659094.